The following is an entry in ClinVar:

NM_018960.6(GNMT):c.452-2_467delinsTGGTCC

Genes: CNPY3-GNMT (CNPY3-GNMT readthrough; plus strand), GNMT (glycine N-methyltransferase; plus strand). Cytogenetic location: 6p21.1.
Variant type: Indel.
Coding change: c.452-2_467delinsTGGTCC on transcript NM_018960.6 (MANE Select); the canonical splice acceptor site of the intron before coding-DNA position 452 through coding-DNA position 467, AGGGGACCAGAGTGAGCA replaced by TGGTCC.
Molecular consequence: splice acceptor variant. On other transcripts: intron variant (2).
Genome position (GRCh38, 1-based): chr6:42,963,070-42,963,087, AGGGGACCAGAGTGAGCA replaced by TGGTCC. VCF-style: chr6-42963070-AGGGGACCAGAGTGAGCA-TGGTCC. GRCh37 (hg19) VCF-style: chr6-42930808-AGGGGACCAGAGTGAGCA-TGGTCC.
Other names: c.254-2_269delinsTGGTCC (NM_001318856.2); c.269-2_284delinsTGGTCC (NM_001318857.2); c.269-110_269-93delinsTGGTCC (NM_001318858.2); c.452-59_452-42delinsTGGTCC (NM_001318865.2).
Identifiers: ClinVar variation 3254629 (VCV003254629.1), dbSNP rs2481180660.
Genomic context (GRCh38, chr6:42,963,070, plus strand): 5'-AGGGAGACTGGTGCTGGGGGCCCTGAGCAGATGGAGTCTTTCTGCCCGTGCCTGGAGCTC[AGGGGACCAGAGTGAGCA>TGGTCC]CCGGCTGGCGCTGAAAAACATTGCGAGCATGGTGCGGGCAGGGGGCCTACTGGTCATTGA-3'

ClinVar aggregate classification (germline): Uncertain significance (1 of 4 stars; one submission).

Conditions:
Glycine N-methyltransferase deficiency. Also called: GNMT DEFICIENCY. Identifiers: Orphanet 289891, MedGen C1847720, MONDO:0011698, OMIM 606664.

Submission:

Victorian Clinical Genetics Services, Murdoch Childrens Research Institute
Classification: Uncertain significance for Glycine N-methyltransferase deficiency. Last evaluated: 2022-02-02. Review status: criteria provided, single submitter. Criteria: ACMG Guidelines, 2015. Collection method: clinical testing. Allele origin: germline. Inheritance: Autosomal recessive inheritance.
Comment: Based on the classification scheme VCGS_Germline_v1.3.4, this variant is classified as VUS-3A. Following criteria are met: 0102 - Loss of function is a likely mechanism of disease in this gene and is associated with glycine N-methyltransferase deficiency (MIM#606664). (I) 0106 - This gene is associated with autosomal recessive disease. (I) 0211 - Canonical splice site variant without proven consequence on splicing (no functional evidence available). (SP) 0251 - This variant is heterozygous. (I) 0301 - Variant is absent from gnomAD (both v2 and v3). (SP) 0311 - An alternative nucleotide change at the same canonical splice site, is present in gnomAD (v2) (1 heterozygote, 0 homozygotes). (I) 0508 - In silico predictions for abnormal splicing are inconclusive but affected nucleotides are highly conserved. (I) 0705 - No comparable splice variants have previous evidence for pathogenicity. (I) 0807 - This variant has no previous evidence of pathogenicity. (I) 0905 - No published segregation evidence has been identified for this variant. (I) 1007 - No published functional evidence has been identified for this variant. (I) 1208 - Inheritance information for this variant is not currently available in this individual. (I) Legend: (SP) - Supporting pathogenic, (I) - Information, (SB) - Supporting benign